The following is an entry in ClinVar:

NM_000152.5(GAA):c.1216G>A (p.Asp406Asn)

Gene: GAA (alpha glucosidase; plus strand). Cytogenetic location: 17q25.3.
Variant type: single nucleotide variant.
Coding change: c.1216G>A on transcript NM_000152.5 (MANE Select); coding-DNA position 1216, G replaced by A.
Protein change: p.Asp406Asn; replaces aspartic acid 406 with asparagine.
Molecular consequence: missense variant.
Genome position (GRCh38, 1-based): chr17:80,108,718, G>A. VCF-style: chr17-80108718-G-A. GRCh37 (hg19) VCF-style: chr17-78082517-G-A.
Other names: NM_000152.5(GAA):c.1216G>A; p.Asp406Asn; c.1216G>A, p.Asp406Asn (NM_001079803.3, NM_001079804.3); c.1216G>A (LRG_673t1, NM_000152.4); short protein forms D406N.
Identifiers: ClinVar variation 552776 (VCV000552776.11), dbSNP rs1555600179, ClinGen allele CA401365200.

ClinVar aggregate classification (germline): Likely pathogenic. Review status: reviewed by expert panel (3 of 4 stars). 6 submissions from 6 submitters: Likely pathogenic (1). 5 of the submissions do not count toward it. Last evaluated 2025-06-17.

Conditions:
Glycogen storage disease, type II (IOPD). Also called: POMPE DISEASE, INFANTILE-ONSET; GLYCOGEN STORAGE DISEASE II, INFANTILE-ONSET; ACID ALPHA-GLUCOSIDASE DEFICIENCY, INFANTILE-ONSET; GAA DEFICIENCY, INFANTILE-ONSET; ACID MALTASE DEFICIENCY, INFANTILE-ONSET; CARDIOMEGALIA GLYCOGENICA DIFFUSA. Identifiers: Orphanet 365, MedGen C0017921, MONDO:0009290, OMIM 232300.

Submissions (6):

ClinGen Lysosomal Storage Disorder Variant Curation Expert Panel
Classification: Likely pathogenic for Glycogen storage disease, type II. Last evaluated: 2025-06-17. Review status: reviewed by expert panel. Criteria: clingen_lsd_acmg_specifications_v2-1. Collection method: curation. Allele origin: germline. Inheritance: Autosomal recessive inheritance.
Comment: The NM_000152.5:c.1216G>A variant in GAA is a missense variant predicted to cause substitution of aspartic acid by asparagine at amino acid 406 (p.Asp406Asn). At least 2 patients with this variant have been reported to have Pompe disease. The patients were siblings from the same family and were both reported to have symptoms consistent with Pompe disease. One of the siblings had documented GAA deficiency with <10% of normal mean control level of GAA activity in leukocytes (PMID: 31966564, 31439017) (PP4_Moderate). Both siblings were compound heterozygous for the variant and c.1935C>A (p.Asp645Glu), which is classified as pathogenic by the ClinGen LD VCEP, confirmed in trans by parental testing (PMID: 31966564, 31439017) (PM3). This variant has also been reported in one case identified as affected by newborn screening, but GAA enzyme activity and clinical information were not provided (PMID: 23430949). This variant is absent in gnomAD v4.1.0. (PM2_Supporting). The computational predictor REVEL gives a score of 0.81 which is above the threshold of 0.7, evidence that correlates with impact to GAA function (PP3). There is a ClinVar entry for this variant (Variation ID: 552776). In summary, this variant meets the criteria to be classified as likely pathogenic for Pompe disease based on the ACMG/AMP criteria applied, as specified by the ClinGen Lysosomal Diseases Variant Curation Expert Panel (Specifications Version 2.0): PM2_Supporting, PM3, PP3, PP4_Moderate (Classification approved by the ClinGen Lysosomal Diseases Variant Curation Expert Panel, June 17, 2025)

Genomenon, Inc
Classification: Uncertain significance for Glycogen storage disease, type II. Last evaluated: 2026-07-01. Review status: criteria provided, single submitter. Criteria: Genomenon Sequence Variant Interpretation Standards - Updated. Collection method: curation. Allele origin: germline. Affected: yes. Not counted in ClinVar's aggregate classification.
Comment: GAA p.Asp406Asn (c.1216G>A) is a missense variant that changes the amino acid at codon 406 from Aspartic acid to Asparagine. This variant has been observed in at least one proband with a GAA-related disorder in the compound heterozygous and/or homozygous state (PMID:31966564). It is absent or not present at a significant frequency in gnomAD. In silico models predict that this variant is possibly or probably damaging. In conclusion, we classify GAA p.Asp406Asn (c.1216G>A) as a variant of uncertain significance.

Labcorp Genetics (formerly Invitae), Labcorp
Classification: Pathogenic for Glycogen storage disease, type II. Last evaluated: 2025-11-12. Review status: criteria provided, single submitter. Criteria: Invitae Variant Classification Sherloc (09022015). Collection method: clinical testing. Allele origin: germline. Not counted in ClinVar's aggregate classification.
Comment: This sequence change replaces aspartic acid, which is acidic and polar, with asparagine, which is neutral and polar, at codon 406 of the GAA protein (p.Asp406Asn). This variant is not present in population databases (gnomAD no frequency). This missense change has been observed in individual(s) with glycogen storage disease type II (PMID: 23430949, 31439017, 31966564). In at least one individual the data is consistent with being in trans (on the opposite chromosome) from a pathogenic variant. It has also been observed to segregate with disease in related individuals. ClinVar contains an entry for this variant (Variation ID: 552776). Invitae Evidence Modeling of protein sequence and biophysical properties (such as structural, functional, and spatial information, amino acid conservation, physicochemical variation, residue mobility, and thermodynamic stability) indicates that this missense variant is expected to disrupt GAA protein function with a positive predictive value of 95%. For these reasons, this variant has been classified as Pathogenic.

Women's Health and Genetics/Laboratory Corporation of America, LabCorp
Classification: Likely pathogenic for Glycogen storage disease, type II. Last evaluated: 2025-10-29. Review status: criteria provided, single submitter. Criteria: LabCorp Variant Classification Summary - May 2015. Collection method: clinical testing. Allele origin: germline. Not counted in ClinVar's aggregate classification.
Comment: Variant summary: GAA c.1216G>A (p.Asp406Asn) results in a conservative amino acid change in the encoded protein sequence. Algorithms developed to predict the effect of missense changes on protein structure and function are either unavailable or do not agree on the potential impact of this missense change. The variant was absent in 248286 control chromosomes. c.1216G>A has been observed in multiple compound heterozygous individuals affected with clinical features of Glycogen Storage Disease, Type 2 (Pompe Disease), including two siblings (e.g., Wittman_2012, Xu_2017). These data indicate that the variant may be associated with disease. To our knowledge, no experimental evidence demonstrating an impact on protein function in isolation has been reported. The following publications have been ascertained in the context of this evaluation (PMID: 23430949, 31966564). ClinVar contains an entry for this variant (Variation ID: 552776). Based on the evidence outlined above, the variant was classified as likely pathogenic.

Natera, Inc.
Classification: Likely pathogenic for Glycogen storage disease type II. Last evaluated: 2024-11-14. Review status: criteria provided, single submitter. Criteria: Natera Variant Classification Schema (03/2026). Collection method: clinical testing. Allele origin: germline. Not counted in ClinVar's aggregate classification.
Comment: The c.1216G>A variant in GAA is a missense variant predicted to cause substitution of aspartic acid to asparagine at amino acid 406. This variant is rare in the general population with a frequency below the threshold expected for the associated phenotype(s). This variant has been observed in one or more individuals affected with the associated recessive disease, as either homozygous or compound heterozygous with a second variant (PMID: 31439017). Additionally, this variant has been observed to segregate in affected family members (PMID: 31439017). Computational prediction algorithms indicate this variant is likely to affect gene or protein function. Given the available evidence, this variant is classified as Likely Pathogenic.

Counsyl
Classification: Uncertain significance for Glycogen storage disease, type II. Last evaluated: 2017-07-05. Review status: no assertion criteria provided. Collection method: clinical testing. Allele origin: unknown. Not counted in ClinVar's aggregate classification.

Literature cited by the submitters: PubMed 31966564 (cited by 3 submitters); PubMed 23430949 (cited by 3 submitters); PubMed 31439017 (cited by Labcorp Genetics (formerly Invitae), Labcorp and Natera, Inc.).